The following is an entry in ClinVar:

ClinVar aggregate classification (germline): Uncertain significance (1 of 4 stars; one submission).

Conditions:
Perlman syndrome (PRLMNS). Identifiers: Orphanet 2849, MedGen C0796113, MONDO:0009965, OMIM 267000.

Submission:

Labcorp Genetics (formerly Invitae), Labcorp
Classification: Uncertain significance for Perlman syndrome. Last evaluated: 2019-09-10. Review status: criteria provided, single submitter. Criteria: Invitae Variant Classification Sherloc (09022015). Collection method: clinical testing. Allele origin: germline.
Comment: In summary, the available evidence is currently insufficient to determine the role of this variant in disease. Therefore, it has been classified as a Variant of Uncertain Significance. Algorithms developed to predict the effect of missense changes on protein structure and function (SIFT, PolyPhen-2, Align-GVGD) all suggest that this variant is likely to be tolerated, but these predictions have not been confirmed by published functional studies and their clinical significance is uncertain. This variant has not been reported in the literature in individuals with DIS3L2-related conditions. This variant is not present in population databases (ExAC no frequency). This sequence change replaces alanine with threonine at codon 23 of the DIS3L2 protein (p.Ala23Thr). The alanine residue is weakly conserved and there is a small physicochemical difference between alanine and threonine.

NM_152383.5(DIS3L2):c.67G>A (p.Ala23Thr)

Gene: DIS3L2 (DIS3 like 3'-5' exoribonuclease 2; plus strand). Cytogenetic location: 2q37.1.
Variant type: single nucleotide variant.
Coding change: c.67G>A on transcript NM_152383.5 (MANE Select); coding-DNA position 67, G replaced by A.
Protein change: p.Ala23Thr; replaces alanine 23 with threonine.
Molecular consequence: missense variant. On other transcripts: non-coding transcript variant (2).
Genome position (GRCh38, 1-based): chr2:232,015,528, G>A. VCF-style: chr2-232015528-G-A. GRCh37 (hg19) VCF-style: chr2-232880238-G-A.
Other names: c.67G>A, p.Ala23Thr (NM_001257281.2, NM_001257282.2); short protein forms A23T.
Identifiers: ClinVar variation 934460 (VCV000934460.9), dbSNP rs886288172, ClinGen allele CA351151836.